The following is an entry in ClinVar:

NM_001082486.2(ACD):c.214A>T (p.Thr72Ser)

Gene: ACD (ACD shelterin complex subunit and telomerase recruitment factor; minus strand). Cytogenetic location: 16q22.1.
Variant type: single nucleotide variant.
Coding change: c.214A>T on transcript NM_001082486.2 (MANE Select); coding-DNA position 214, A replaced by T.
Protein change: p.Thr72Ser; replaces threonine 72 with serine.
Molecular consequence: missense variant.
Genome position (GRCh38, 1-based): chr16:67,659,931, T>A on the plus strand (A>T on the coding strand, the complement: ACD is on the minus strand). VCF-style: chr16-67659931-T-A. GRCh37 (hg19) VCF-style: chr16-67693834-T-A.
Other names: c.214A>T, p.Thr72Ser (NM_001410884.1); c.205A>T, p.Thr69Ser (NM_022914.3); short protein forms T72S, T69S.
Identifiers: ClinVar variation 3480303 (VCV003480303.1).

ClinVar aggregate classification (germline): Uncertain significance (1 of 4 stars; one submission).

Conditions:
Inborn genetic diseases. Identifiers: MedGen C0950123, MeSH D030342.

Submission:

Ambry Genetics
Classification: Uncertain significance for Inborn genetic diseases. Last evaluated: 2024-09-26. Review status: criteria provided, single submitter. Criteria: Ambry Variant Classification Scheme 2023. Collection method: clinical testing. Allele origin: germline.
Comment: The p.T158S variant (also known as c.472A>T), located in coding exon 2 of the ACD gene, results from an A to T substitution at nucleotide position 472. The threonine at codon 158 is replaced by serine, an amino acid with similar properties. This amino acid position is conserved. In addition, this alteration is predicted to be tolerated by in silico analysis. Based on the available evidence, the clinical significance of this variant remains unclear.